The following is an entry in ClinVar:

ClinVar aggregate classification (germline): Uncertain significance (1 of 4 stars; one submission).

Conditions:
COG4-congenital disorder of glycosylation. Also called: CONGENITAL DISORDER OF GLYCOSYLATION, TYPE IIj; CDG IIj; COG4-CDG. Identifiers: Orphanet 263501, MedGen C4303552, MONDO:0013281, OMIM 613489.

Allele frequency attached by ClinVar (database versions not stated): gnomAD exomes below 0.00001; ExAC 0.00001.
gnomAD v4.1: 5 of 1,614,178 alleles (0.00031%); highest among the groups gnomAD compares: African/African-American, 0.0013%; no homozygotes.

Submission:

Labcorp Genetics (formerly Invitae), Labcorp
Classification: Uncertain significance for COG4-congenital disorder of glycosylation. Last evaluated: 2021-12-20. Review status: criteria provided, single submitter. Criteria: Invitae Variant Classification Sherloc (09022015). Collection method: clinical testing. Allele origin: germline.
Comment: In summary, the available evidence is currently insufficient to determine the role of this variant in disease. Therefore, it has been classified as a Variant of Uncertain Significance. This sequence change replaces isoleucine, which is neutral and non-polar, with valine, which is neutral and non-polar, at codon 209 of the COG4 protein (p.Ile209Val). This variant is present in population databases (rs768080488, gnomAD 0.0009%). This variant has not been reported in the literature in individuals affected with COG4-related conditions. Algorithms developed to predict the effect of missense changes on protein structure and function output the following: SIFT: "Tolerated"; PolyPhen-2: "Benign"; Align-GVGD: "Class C0". The valine amino acid residue is found in multiple mammalian species, which suggests that this missense change does not adversely affect protein function.

NM_015386.3(COG4):c.625A>G (p.Ile209Val)

Gene: COG4 (component of oligomeric golgi complex 4; minus strand). Cytogenetic location: 16q22.1.
Variant type: single nucleotide variant.
Coding change: c.625A>G on transcript NM_015386.3 (MANE Select); coding-DNA position 625, A replaced by G.
Protein change: p.Ile209Val; replaces isoleucine 209 with valine.
Molecular consequence: missense variant. On other transcripts: non-coding transcript variant (1).
Genome position (GRCh38, 1-based): chr16:70,512,352, T>C on the plus strand (A>G on the coding strand, the complement: COG4 is on the minus strand). VCF-style: chr16-70512352-T-C. GRCh37 (hg19) VCF-style: chr16-70546255-T-C.
Other names: c.613A>G, p.Ile205Val (NM_001195139.2); c.199A>G, p.Ile67Val (NM_001365426.1); short protein forms I67V, I205V, I209V.
Identifiers: ClinVar variation 2175299 (VCV002175299.4), dbSNP rs768080488, ClinGen allele CA8144631.